The following is an entry in ClinVar:

NM_030962.4(SBF2):c.2436C>T (p.Ala812=)

Genes: SBF2 (SET binding factor 2; minus strand), LOC101928008 (uncharacterized LOC101928008; plus strand). Cytogenetic location: 11p15.4.
Variant type: single nucleotide variant.
Coding change: c.2436C>T on transcript NM_030962.4 (MANE Select); coding-DNA position 2436, C replaced by T.
Protein change: p.Ala812=; no amino-acid change (alanine 812 retained).
Molecular consequence: synonymous variant.
Genome position (GRCh38, 1-based): chr11:9,853,640, G>A on the plus strand (C>T on the coding strand, the complement: SBF2 is on the minus strand). VCF-style: chr11-9853640-G-A. GRCh37 (hg19) VCF-style: chr11-9875187-G-A.
Other names: c.2436C>T, p.Ala812= (NM_001386339.1); c.2307C>T, p.Ala769= (NM_001386342.1).
Identifiers: ClinVar variation 700248 (VCV000700248.11), dbSNP rs374225152, ClinGen allele CA5881562.

ClinVar aggregate classification (germline): Likely benign. Review status: criteria provided, multiple submitters, no conflicts (2 of 4 stars). 3 submissions from 3 submitters: Likely benign (3). Last evaluated 2026-02-01.

Conditions:
Charcot-Marie-Tooth disease type 4. Also called: Charcot-Marie-Tooth disease, type IV; Charcot-Marie-Tooth, Type 4. Identifiers: Orphanet 64749, MedGen C4082197, MONDO:0018995.
Charcot-Marie-Tooth disease type 4B2. Also called: CHARCOT-MARIE-TOOTH DISEASE, DEMYELINATING, TYPE 4B2; Charcot-Marie-Tooth Neuropathy Type 4B2; CMT 4B2; CHARCOT-MARIE-TOOTH DISEASE, WITH FOCALLY FOLDED MYELIN SHEATHS, AUTOSOMAL RECESSIVE, TYPE 4B2. Identifiers: Orphanet 99956, MedGen C1858278, MONDO:0011475, OMIM 604563.
SBF2-related disorder. Also called: SBF2-related condition.

Allele frequency attached by ClinVar (database versions not stated): ExAC 0.00003; gnomAD exomes 0.00003 and 0.00012; gnomAD 0.00007 and 0.00008; ESP Exome Variant Server 0.00008; TOPMed 0.00009.
gnomAD v4.1: 185 of 1,613,662 alleles (0.011%); highest among the groups gnomAD compares: Non-Finnish European, 0.015%; no homozygotes.

Submissions (3):

Labcorp Genetics (formerly Invitae), Labcorp
Classification: Likely benign for Charcot-Marie-Tooth disease type 4. Last evaluated: 2026-02-01. Review status: criteria provided, single submitter. Criteria: Invitae Variant Classification Sherloc (09022015). Collection method: clinical testing. Allele origin: germline.

PreventionGenetics, part of Exact Sciences
Classification: Likely benign for SBF2-related condition. Last evaluated: 2025-11-08. Review status: criteria provided, single submitter. Criteria: ACMG Guidelines, 2015. Collection method: clinical testing. Allele origin: germline.
Comment: This variant is classified as likely benign based on ACMG/AMP sequence variant interpretation guidelines (Richards et al. 2015 PMID: 25741868, with internal and published modifications).

ARUP Laboratories, Molecular Genetics and Genomics, ARUP Laboratories
Classification: Likely benign for Charcot-Marie-Tooth disease type 4B2. Last evaluated: 2023-10-06. Review status: criteria provided, single submitter. Criteria: ARUP Molecular Germline Variant Investigation Process 2024. Collection method: clinical testing. Allele origin: germline.